The following is an entry in ClinVar:

ClinVar aggregate classification (germline): Uncertain significance (1 of 4 stars; one submission).

Allele frequency attached by ClinVar (database versions not stated): gnomAD exomes below 0.00001; gnomAD 0.00002; TOPMed 0.00002.

Submission:

Women's Health and Genetics/Laboratory Corporation of America, LabCorp
Classification: Uncertain significance. Last evaluated: 2023-06-26. Review status: criteria provided, single submitter. Criteria: LabCorp Variant Classification Summary - May 2015. Collection method: clinical testing. Allele origin: germline.
Comment: Variant summary: ACADSB c.908G>C (p.Gly303Ala) results in a non-conservative amino acid change located in the Acyl-CoA dehydrogenase/oxidase C-terminal domain (IPR009075) of the encoded protein sequence. Five of five in-silico tools predict a damaging effect of the variant on protein function. The variant allele was found at a frequency of 8e-06 in 251344 control chromosomes (gnomAD). c.908G>C has been reported in the literature in bi-allelic individuals affected with short/branched-chain acyl-CoA dehydrogenase deficiency (SBCADD) (examples: Korman_2005 and Rossi_2022). These data indicate that the variant may be associated with disease. To our knowledge, no experimental evidence demonstrating an impact on protein function has been reported. The following publications have been ascertained in the context of this evaluation (PMID: 15615815, 36147814). No submitters have cited clinical-significance assessments for this variant to ClinVar after 2014. Based on the evidence outlined above, the variant was classified as VUS-possibly pathogenic.

Literature cited by the submitters: PubMed 15615815; PubMed 36147814.

NM_001609.4(ACADSB):c.908G>C (p.Gly303Ala)

Gene: ACADSB (acyl-CoA dehydrogenase short/branched chain; plus strand). Cytogenetic location: 10q26.13.
Variant type: single nucleotide variant.
Coding change: c.908G>C on transcript NM_001609.4 (MANE Select); coding-DNA position 908, G replaced by C.
Protein change: p.Gly303Ala; replaces glycine 303 with alanine.
Molecular consequence: missense variant.
Genome position (GRCh38, 1-based): chr10:123,047,216, G>C. VCF-style: chr10-123047216-G-C. GRCh37 (hg19) VCF-style: chr10-124806732-G-C.
Other names: c.602G>C, p.Gly201Ala (NM_001330174.3); short protein forms G201A, G303A.
Identifiers: ClinVar variation 2573475 (VCV002573475.1), dbSNP rs1316417761, ClinGen allele CA378620840.